The following is an entry in ClinVar:

NM_001040108.2(MLH3):c.1673C>T (p.Thr558Ile)

Gene: MLH3 (mutL homolog 3; minus strand). Cytogenetic location: 14q24.3.
Variant type: single nucleotide variant.
Coding change: c.1673C>T on transcript NM_001040108.2 (MANE Select); coding-DNA position 1673, C replaced by T.
Protein change: p.Thr558Ile; replaces threonine 558 with isoleucine.
Molecular consequence: missense variant.
Genome position (GRCh38, 1-based): chr14:75,047,983, G>A on the plus strand (C>T on the coding strand, the complement: MLH3 is on the minus strand). VCF-style: chr14-75047983-G-A. GRCh37 (hg19) VCF-style: chr14-75514686-G-A.
Other names: c.1673C>T, p.Thr558Ile (NM_014381.3); short protein forms T558I.
Identifiers: ClinVar variation 4552108 (VCV004552108.1).

ClinVar aggregate classification (germline): Uncertain significance (1 of 4 stars; one submission).

Submission:

Ambry Genetics
Classification: Uncertain significance. Last evaluated: 2025-10-28. Review status: criteria provided, single submitter. Criteria: Ambry Variant Classification Scheme 2023. Collection method: clinical testing. Allele origin: germline.
Comment: The p.T558I variant (also known as c.1673C>T), located in coding exon 1 of the MLH3 gene, results from a C to T substitution at nucleotide position 1673. The threonine at codon 558 is replaced by isoleucine, an amino acid with similar properties. This amino acid position is conserved. In addition, this alteration is predicted to be tolerated by in silico analysis. Based on the available evidence, the clinical significance of this variant remains unclear.